The following is an entry in ClinVar:

ClinVar aggregate classification (germline): Benign/Likely benign. Review status: criteria provided, multiple submitters, no conflicts (2 of 4 stars). 7 submissions from 6 submitters: Benign (1); Likely benign (6). Last evaluated 2026-08-01.

Conditions:
Autosomal dominant nonsyndromic hearing loss 17. Also called: Autosomal dominant nonsyndromic deafness 17; Deafness, autosomal dominant 17. Identifiers: Orphanet 90635, MedGen C1863659, MONDO:0011350, OMIM 603622.
MYH9-related disorder. Identifiers: MedGen C1854520.

Allele frequency attached by ClinVar (database versions not stated): ExAC 0.00037; ESP Exome Variant Server 0.00038; gnomAD exomes 0.00054 and 0.00025; 1000 Genomes Project 30x 0.00016; 1000 Genomes Project 0.00020; gnomAD 0.00028 and 0.00030; TOPMed 0.00029.
gnomAD v4.1: 818 of 1,611,100 alleles (0.051%); highest among the groups gnomAD compares: Non-Finnish European, 0.067%; no homozygotes.

Submissions (7):

CeGaT Center for Human Genetics Tuebingen
Classification: Likely benign. Last evaluated: 2026-08-01. Review status: criteria provided, single submitter. Criteria: CeGaT Center For Human Genetics Tuebingen Variant Classification Criteria Version 2. Collection method: clinical testing. Allele origin: germline. Affected: yes. Observed: 1 variant allele.
Comment: MYH9: BP4

Labcorp Genetics (formerly Invitae), Labcorp
Classification: Likely benign. Last evaluated: 2025-12-22. Review status: criteria provided, single submitter. Criteria: Invitae Variant Classification Sherloc (09022015). Collection method: clinical testing. Allele origin: germline.

Mayo Clinic Laboratories, Mayo Clinic
Classification: Likely benign. Last evaluated: 2024-04-16. Review status: criteria provided, single submitter. Criteria: ACMG Guidelines, 2015. Collection method: clinical testing. Allele origin: germline. Observed: 3 variant alleles.
Comment: BS1, BP4, BP7

Blueprint Genetics
Classification: Likely benign. Last evaluated: 2024-03-18. Review status: criteria provided, single submitter. Criteria: ACMG Guidelines, 2015. Collection method: clinical testing. Allele origin: germline.

GeneDx
Classification: Likely benign. Last evaluated: 2021-06-24. Review status: criteria provided, single submitter. Criteria: GeneDx Variant Classification Process June 2021. Collection method: clinical testing. Allele origin: germline. Affected: yes.

Illumina Laboratory Services, Illumina
Classification: Benign for MYH9-related disorder. Last evaluated: 2018-01-13. Review status: criteria provided, single submitter. Criteria: ICSL Variant Classification Criteria 13 December 2019. Collection method: clinical testing. Allele origin: germline.
Comment: This variant was observed in the ICSL laboratory as part of a predisposition screen in an ostensibly healthy population. It had not been previously curated by ICSL or reported in the Human Gene Mutation Database (HGMD: prior to June 1st, 2018), and was therefore a candidate for classification through an automated scoring system. Utilizing variant allele frequency, disease prevalence and penetrance estimates, and inheritance mode, an automated score was calculated to assess if this variant is too frequent to cause the disease. Based on the score and internal cut-off values, a variant classified as benign is not then subjected to further curation. The score for this variant resulted in a classification of benign for this disease.

Illumina Laboratory Services, Illumina
Classification: Likely benign for Autosomal dominant nonsyndromic hearing loss 17. Last evaluated: 2018-01-13. Review status: criteria provided, single submitter. Criteria: ICSL Variant Classification Criteria 13 December 2019. Collection method: clinical testing. Allele origin: germline.
Comment: This variant was observed in the ICSL laboratory as part of a predisposition screen in an ostensibly healthy population. It had not been previously curated by ICSL or reported in the Human Gene Mutation Database (HGMD: prior to June 1st, 2018), and was therefore a candidate for classification through an automated scoring system. Utilizing variant allele frequency, disease prevalence and penetrance estimates, and inheritance mode, an automated score was calculated to assess if this variant is too frequent to cause the disease. Based on the score and internal cut-off values, a variant classified as likely benign is not then subjected to further curation. The score for this variant resulted in a classification of likely benign for this disease.

NM_002473.6(MYH9):c.4359G>A (p.Glu1453=)

Gene: MYH9 (myosin heavy chain 9; minus strand). Cytogenetic location: 22q12.3.
Variant type: single nucleotide variant.
Coding change: c.4359G>A on transcript NM_002473.6 (MANE Select); coding-DNA position 4359, G replaced by A.
Protein change: p.Glu1453=; no amino-acid change (glutamic acid 1453 retained).
Molecular consequence: synonymous variant.
Genome position (GRCh38, 1-based): chr22:36,289,283, C>T on the plus strand (G>A on the coding strand, the complement: MYH9 is on the minus strand). VCF-style: chr22-36289283-C-T. GRCh37 (hg19) VCF-style: chr22-36685329-C-T.
Other names: p.Glu1453=.
Identifiers: ClinVar variation 341502 (VCV000341502.19), dbSNP rs202127454, ClinGen allele CA10209373.